The following is an entry in ClinVar:

ClinVar aggregate classification (germline): Uncertain significance (1 of 4 stars; one submission).

Allele frequency attached by ClinVar (database versions not stated): gnomAD exomes below 0.00001; TOPMed 0.00003; gnomAD 0.00004; ESP Exome Variant Server 0.00008.
gnomAD v4.1: 14 of 1,614,064 alleles (0.00087%); highest among the groups gnomAD compares: African/African-American, 0.017%; no homozygotes.

Submission:

Labcorp Genetics (formerly Invitae), Labcorp
Classification: Uncertain significance. Last evaluated: 2025-10-09. Review status: criteria provided, single submitter. Criteria: Invitae Variant Classification Sherloc (09022015). Collection method: clinical testing. Allele origin: germline.
Comment: This sequence change replaces histidine, which is basic and polar, with asparagine, which is neutral and polar, at codon 650 of the LRRC8A protein (p.His650Asn). This variant is present in population databases (rs144812013, gnomAD 0.008%). This variant has not been reported in the literature in individuals affected with LRRC8A-related conditions. ClinVar contains an entry for this variant (Variation ID: 1946198). An algorithm developed to predict the effect of missense changes on protein structure and function (PolyPhen-2) suggests that this variant is likely to be tolerated. In summary, the available evidence is currently insufficient to determine the role of this variant in disease. Therefore, it has been classified as a Variant of Uncertain Significance.

NM_019594.4(LRRC8A):c.1948C>A (p.His650Asn)

Gene: LRRC8A (leucine rich repeat containing 8 VRAC subunit A; plus strand). Cytogenetic location: 9q34.11.
Variant type: single nucleotide variant.
Coding change: c.1948C>A on transcript NM_019594.4 (MANE Select); coding-DNA position 1948, C replaced by A.
Protein change: p.His650Asn; replaces histidine 650 with asparagine.
Molecular consequence: missense variant.
Genome position (GRCh38, 1-based): chr9:128,909,112, C>A. VCF-style: chr9-128909112-C-A. GRCh37 (hg19) VCF-style: chr9-131671391-C-A.
Other names: c.1948C>A, p.His650Asn (NM_001127244.2, NM_001127245.2); short protein forms H650N.
Identifiers: ClinVar variation 1946198 (VCV001946198.5), dbSNP rs144812013, ClinGen allele CA200416568.